The following is an entry in ClinVar:

ClinVar aggregate classification (germline): Pathogenic. Review status: criteria provided, multiple submitters, no conflicts (2 of 4 stars). 6 submissions from 5 submitters: Pathogenic (4). 2 of the submissions do not count toward it. Last evaluated 2025-08-06.

Conditions:
Becker muscular dystrophy (BMD). Also called: Becker Muscular Dystrophy (BMD); MUSCULAR DYSTROPHY, PSEUDOHYPERTROPHIC PROGRESSIVE, BECKER TYPE. Identifiers: Orphanet 98895, MedGen C0917713, MONDO:0010311, OMIM 300376.
Duchenne muscular dystrophy (DMD). Also called: Duchenne Muscular Dystrophy (DMD); MUSCULAR DYSTROPHY, PSEUDOHYPERTROPHIC PROGRESSIVE, DUCHENNE TYPE. Identifiers: Orphanet 98896, MedGen C0013264, MONDO:0010679, OMIM 310200.

Submissions (6):

3billion
Classification: Pathogenic for Becker muscular dystrophy. Last evaluated: 2025-08-06. Review status: criteria provided, single submitter. Criteria: ACMG Guidelines, 2015. Collection method: clinical testing. Allele origin: germline. Affected: yes.
Comment: The variant is not observed in the gnomAD v4.1.0 dataset. Predicted Consequence/Location: Stop-gained (nonsense): predicted to result in a loss or disruption of normal protein function through nonsense-mediated decay (NMD) or protein truncation. Multiple pathogenic variants are reported downstream of the variant. The variant has been observed in at least two similarly affected unrelated individuals (PMID: 25972034, 28859693). The variant has been reported at least twice as pathogenic with clinical assertions and evidence for the classification (ClinVar ID: VCV000094584 /PMID: 25972034). Therefore, this variant is classified as Pathogenic according to the recommendation of ACMG/AMP guideline.

Labcorp Genetics (formerly Invitae), Labcorp
Classification: Pathogenic for Duchenne muscular dystrophy. Last evaluated: 2022-08-31. Review status: criteria provided, single submitter. Criteria: Invitae Variant Classification Sherloc (09022015). Collection method: clinical testing. Allele origin: germline.
Comment: For these reasons, this variant has been classified as Pathogenic. Algorithms developed to predict the effect of sequence changes on RNA splicing suggest that this variant may disrupt the consensus splice site. ClinVar contains an entry for this variant (Variation ID: 94584). This premature translational stop signal has been observed in individuals with DMD-related muscular dystrophy (PMID: 25972034, 28859693). This variant is not present in population databases (gnomAD no frequency). This sequence change creates a premature translational stop signal (p.Gln1099*) in the DMD gene. It is expected to result in an absent or disrupted protein product. Loss-of-function variants in DMD are known to be pathogenic (PMID: 16770791, 25007885).

GeneDx
Classification: Pathogenic. Last evaluated: 2018-03-20. Review status: criteria provided, single submitter. Criteria: GeneDx Variant Classification (06012015). Collection method: clinical testing. Allele origin: germline. Affected: yes.
Comment: The Q1099X variant has been reported previously in association with dystrophinopathy (Guo et al., 2015; Okubo et al., 2017). This variant is predicted to cause loss of normal protein function either through protein truncation or nonsense-mediated mRNA decay. The Q1099X variant is not observed in large population cohorts (Lek et al., 2016). The Q1099X variant has been reported previously in association with dystrophinopathy (Guo et al., 2015; Okubo et al., 2017). This variant is predicted to cause loss of normal protein function either through protein truncation or nonsense-mediated mRNA decay. The Q1099X variant is not observed in large population cohorts (Lek et al., 2016). Additionally, this nonsense variant may qualify for nonsense read-through therapy.

Eurofins Ntd Llc (ga)
Classification: Pathogenic. Last evaluated: 2012-10-23. Review status: criteria provided, single submitter. Criteria: EGL Classification Definitions 2015. Collection method: clinical testing. Allele origin: germline. Observed: 2 variant alleles, 1 heterozygote, 1 hemizygote.

Clinical Molecular Genetics Laboratory, Johns Hopkins All Children's Hospital
Classification: Pathogenic for Duchenne muscular dystrophy. Last evaluated: 2016-03-07. Review status: no assertion criteria provided. Collection method: clinical testing. Allele origin: germline. Affected: yes. Not counted in ClinVar's aggregate classification.

Clinical Molecular Genetics Laboratory, Johns Hopkins All Children's Hospital
Classification: Pathogenic for Becker muscular dystrophy. Last evaluated: 2016-03-07. Review status: no assertion criteria provided. Collection method: clinical testing. Allele origin: germline. Affected: yes. Not counted in ClinVar's aggregate classification.

Literature cited by the submitters: PubMed 28859693 (cited by 3billion and Labcorp Genetics (formerly Invitae), Labcorp); PubMed 25972034 (cited by 3billion and Labcorp Genetics (formerly Invitae), Labcorp); PubMed 16770791 (cited by Labcorp Genetics (formerly Invitae), Labcorp); PubMed 25007885 (cited by Labcorp Genetics (formerly Invitae), Labcorp).

NM_004006.3(DMD):c.3295C>T (p.Gln1099Ter)

Gene: DMD (dystrophin; minus strand). Cytogenetic location: Xp21.1.
Variant type: single nucleotide variant.
Coding change: c.3295C>T on transcript NM_004006.3 (MANE Select); coding-DNA position 3295, C replaced by T.
Protein change: p.Gln1099Ter; replaces glutamine 1099 with a stop codon.
Molecular consequence: nonsense.
Genome position (GRCh38, 1-based): chrX:32,463,576, G>A on the plus strand (C>T on the coding strand, the complement: DMD is on the minus strand). VCF-style: chrX-32463576-G-A. GRCh37 (hg19) VCF-style: chrX-32481693-G-A.
Other names: NP_003997.1:p.Gln1099*; c.3271C>T, p.Gln1091Ter (NM_000109.4); c.3283C>T, p.Gln1095Ter (NM_004009.3); c.2926C>T, p.Gln976Ter (NM_004010.3); short protein forms Q1099*, Q1095*, Q976*, Q1091*.
Identifiers: ClinVar variation 94584 (VCV000094584.17), dbSNP rs398123935, ClinGen allele CA266994.